The following is an entry in ClinVar:

ClinVar aggregate classification (germline): Uncertain significance. Review status: criteria provided, multiple submitters, no conflicts (2 of 4 stars). 2 submissions from 2 submitters: Uncertain significance (2). Last evaluated 2026-05-14.

Conditions:
Familial thoracic aortic aneurysm and aortic dissection (TAAD). Also called: Thoracic aortic aneurysms and dissections. Identifiers: Orphanet 91387, MedGen C4707243, MONDO:0019625.
Shprintzen-Goldberg syndrome (SGS). Also called: SHPRINTZEN-GOLDBERG CRANIOSYNOSTOSIS SYNDROME; CRANIOSYNOSTOSIS WITH ARACHNODACTYLY AND ABDOMINAL HERNIAS; Marfanoid disorder with craniosynostosis type 1; Marfanoid craniosynostosis syndrome; Shprintzen-Goldberg marfanoid syndrome. Identifiers: Orphanet 2462, MedGen C1321551, MONDO:0008426, OMIM 182212.

gnomAD v4.1: 2 of 1,384,972 alleles (0.00014%); highest among the groups gnomAD compares: East Asian, 0.0034%; no homozygotes.

Submissions (2):

Ambry Genetics
Classification: Uncertain significance for Familial thoracic aortic aneurysm and aortic dissection. Last evaluated: 2026-05-14. Review status: criteria provided, single submitter. Criteria: Ambry Variant Classification Scheme 2023. Collection method: clinical testing. Allele origin: germline.
Comment: The p.A55T variant (also known as c.163G>A), located in coding exon 1 of the SKI gene, results from a G to A substitution at nucleotide position 163. The alanine at codon 55 is replaced by threonine, an amino acid with similar properties. This amino acid position is conserved. In addition, this alteration is predicted to be tolerated by in silico analysis. Based on the available evidence, the clinical significance of this variant remains unclear.

Labcorp Genetics (formerly Invitae), Labcorp
Classification: Uncertain significance for Shprintzen-Goldberg syndrome. Last evaluated: 2024-07-02. Review status: criteria provided, single submitter. Criteria: Invitae Variant Classification Sherloc (09022015). Collection method: clinical testing. Allele origin: germline.
Comment: This sequence change replaces alanine, which is neutral and non-polar, with threonine, which is neutral and polar, at codon 55 of the SKI protein (p.Ala55Thr). This variant is not present in population databases (gnomAD no frequency). This variant has not been reported in the literature in individuals affected with SKI-related conditions. ClinVar contains an entry for this variant (Variation ID: 1392425). Advanced modeling of protein sequence and biophysical properties (such as structural, functional, and spatial information, amino acid conservation, physicochemical variation, residue mobility, and thermodynamic stability) performed at Invitae indicates that this missense variant is not expected to disrupt SKI protein function with a negative predictive value of 95%. In summary, the available evidence is currently insufficient to determine the role of this variant in disease. Therefore, it has been classified as a Variant of Uncertain Significance.

NM_003036.4(SKI):c.163G>A (p.Ala55Thr)

Gene: SKI (SKI proto-oncogene; plus strand). Cytogenetic location: 1p36.33.
Variant type: single nucleotide variant.
Coding change: c.163G>A on transcript NM_003036.4 (MANE Select); coding-DNA position 163, G replaced by A.
Protein change: p.Ala55Thr; replaces alanine 55 with threonine.
Molecular consequence: missense variant.
Genome position (GRCh38, 1-based): chr1:2,228,929, G>A. VCF-style: chr1-2228929-G-A. GRCh37 (hg19) VCF-style: chr1-2160368-G-A.
Other names: c.163G>A (NM_003036.3); short protein forms A55T.
Identifiers: ClinVar variation 1392425 (VCV001392425.7), dbSNP rs769506718, ClinGen allele CA337952227.